The following is an entry in ClinVar:

NM_130811.4(SNAP25):c.371G>A (p.Arg124Gln)

Gene: SNAP25 (synaptosome associated protein 25; plus strand). Cytogenetic location: 20p12.2.
Variant type: single nucleotide variant.
Coding change: c.371G>A on transcript NM_130811.4 (MANE Select); coding-DNA position 371, G replaced by A.
Protein change: p.Arg124Gln; replaces arginine 124 with glutamine.
Molecular consequence: missense variant.
Genome position (GRCh38, 1-based): chr20:10,297,014, G>A. VCF-style: chr20-10297014-G-A. GRCh37 (hg19) VCF-style: chr20-10277662-G-A.
Other names: c.371G>A, p.Arg124Gln (NM_001322902.2, NM_001322903.2, NM_001322904.2 and 9 more transcripts); short protein forms R124Q.
Identifiers: ClinVar variation 2980001 (VCV002980001.3), dbSNP rs2123143633, ClinGen allele CA408266345.

ClinVar aggregate classification (germline): Uncertain significance (1 of 4 stars; one submission).

Conditions:
Congenital myasthenic syndrome 18. Also called: MYASTHENIC SYNDROME, CONGENITAL, 18, WITH INTELLECTUAL DISABILITY AND ATAXIA. Identifiers: Orphanet 590, MedGen C4225364, MONDO:0014590, OMIM 616330.

Allele frequency attached by ClinVar (database versions not stated): gnomAD exomes below 0.00001.
gnomAD v4.1: 1 of 1,609,510 alleles (0.000062%); highest among the groups gnomAD compares: Non-Finnish European, 0.000085%; no homozygotes.

Submission:

Labcorp Genetics (formerly Invitae), Labcorp
Classification: Uncertain significance for Congenital myasthenic syndrome 18. Last evaluated: 2023-12-16. Review status: criteria provided, single submitter. Criteria: Invitae Variant Classification Sherloc (09022015). Collection method: clinical testing. Allele origin: germline.
Comment: This sequence change replaces arginine, which is basic and polar, with glutamine, which is neutral and polar, at codon 124 of the SNAP25 protein (p.Arg124Gln). This variant is not present in population databases (gnomAD no frequency). This variant has not been reported in the literature in individuals affected with SNAP25-related conditions. An algorithm developed to predict the effect of missense changes on protein structure and function (PolyPhen-2) suggests that this variant is likely to be disruptive. In summary, the available evidence is currently insufficient to determine the role of this variant in disease. Therefore, it has been classified as a Variant of Uncertain Significance.